The following is an entry in ClinVar:

NM_001136271.3(NKX2-6):c.614C>T (p.Pro205Leu)

Gene: NKX2-6 (NK2 homeobox 6; minus strand). Cytogenetic location: 8p21.2.
Variant type: single nucleotide variant.
Coding change: c.614C>T on transcript NM_001136271.3 (MANE Select); coding-DNA position 614, C replaced by T.
Protein change: p.Pro205Leu; replaces proline 205 with leucine.
Molecular consequence: missense variant.
Genome position (GRCh38, 1-based): chr8:23,702,743, G>A on the plus strand (C>T on the coding strand, the complement: NKX2-6 is on the minus strand). VCF-style: chr8-23702743-G-A. GRCh37 (hg19) VCF-style: chr8-23560256-G-A.
Other names: short protein forms P205L.
Identifiers: ClinVar variation 2754386 (VCV002754386.3), dbSNP rs371546349, ClinGen allele CA4677959.

ClinVar aggregate classification (germline): Uncertain significance (1 of 4 stars; one submission).

Conditions:
Conotruncal heart malformations (CTHM). Also called: Conotruncal heart malformations, variable. Identifiers: Orphanet 2445, Orphanet 3384, Orphanet 3426, MedGen C1857586, MONDO:0016581, OMIM 217095.

Allele frequency attached by ClinVar (database versions not stated): gnomAD exomes 0.00001; TOPMed 0.00002; gnomAD 0.00003.

Submission:

Labcorp Genetics (formerly Invitae), Labcorp
Classification: Uncertain significance for Conotruncal heart malformations. Last evaluated: 2025-10-05. Review status: criteria provided, single submitter. Criteria: Invitae Variant Classification Sherloc (09022015). Collection method: clinical testing. Allele origin: germline.
Comment: This sequence change replaces proline, which is neutral and non-polar, with leucine, which is neutral and non-polar, at codon 205 of the NKX2-6 protein (p.Pro205Leu). This variant is present in population databases (rs371546349, gnomAD 0.01%). This variant has not been reported in the literature in individuals affected with NKX2-6-related conditions. ClinVar contains an entry for this variant (Variation ID: 2754386). Invitae Evidence Modeling of protein sequence and biophysical properties (such as structural, functional, and spatial information, amino acid conservation, physicochemical variation, residue mobility, and thermodynamic stability) indicates that this missense variant is not expected to disrupt NKX2-6 protein function with a negative predictive value of 80%. In summary, the available evidence is currently insufficient to determine the role of this variant in disease. Therefore, it has been classified as a Variant of Uncertain Significance.